The following is an entry in ClinVar:

ClinVar aggregate classification (germline): Conflicting classifications of pathogenicity. Review status: criteria provided, conflicting classifications (1 of 4 stars). 2 submissions from 2 submitters: Uncertain significance (1); Likely benign (1). Last evaluated 2025-06-25.

Conditions:
Hereditary cancer-predisposing syndrome. Also called: Neoplastic Syndromes, Hereditary; Tumor predisposition; Hereditary Cancer Syndrome; Hereditary neoplastic syndrome. Identifiers: Orphanet 140162, MedGen C0027672, MeSH D009386, MONDO:0015356.

Submissions (2):

Ambry Genetics
Classification: Likely benign for Hereditary cancer-predisposing syndrome. Last evaluated: 2025-06-25. Review status: criteria provided, single submitter. Criteria: Ambry Variant Classification Scheme 2023. Collection method: clinical testing. Allele origin: germline.

Color Diagnostics, LLC DBA Color Health
Classification: Uncertain significance for Hereditary cancer-predisposing syndrome. Last evaluated: 2023-06-26. Review status: criteria provided, single submitter. Criteria: ACMG Guidelines, 2015. Collection method: clinical testing. Allele origin: germline.
Comment: This variant is located in the APC protein. To our knowledge, functional studies have not been reported for this variant. This variant has not been reported in individuals affected with APC-related disorders in the literature. This variant has not been identified in the general population by the Genome Aggregation Database (gnomAD). The available evidence is insufficient to determine the role of this variant in disease conclusively. Therefore, this variant is classified as a Variant of Uncertain Significance.

NM_000038.6(APC):c.1287A>C (p.Pro429=)

Gene: APC (APC regulator of Wnt signaling pathway; plus strand). Cytogenetic location: 5q22.2.
Variant type: single nucleotide variant.
Coding change: c.1287A>C on transcript NM_000038.6 (MANE Select); coding-DNA position 1287, A replaced by C.
Protein change: p.Pro429=; no amino-acid change (proline 429 retained).
Molecular consequence: synonymous variant. On other transcripts: non-coding transcript variant (2).
Genome position (GRCh38, 1-based): chr5:112,819,319, A>C. VCF-style: chr5-112819319-A-C. GRCh37 (hg19) VCF-style: chr5-112155016-A-C.
Other names: c.1287A>C, p.Pro429= (NM_001127510.3, NM_001354895.2, NM_001354896.2 and 4 more transcripts); c.1233A>C, p.Pro411= (NM_001127511.3); c.1317A>C, p.Pro439= (NM_001354897.2, NM_001407446.1); c.1212A>C, p.Pro404= (NM_001354898.2, NM_001407451.1); c.1203A>C, p.Pro401= (NM_001354899.2, NM_001407452.1); c.1110A>C, p.Pro370= (NM_001354900.2, NM_001354901.2, NM_001407453.1); c.1014A>C, p.Pro338= (NM_001354902.2); c.984A>C, p.Pro328= (NM_001354903.2, NM_001407454.1, NM_001407455.1 and 5 more transcripts); and 6 more.
Identifiers: ClinVar variation 2774726 (VCV002774726.3), dbSNP rs2149783796, ClinGen allele CA445960393.